The following is an entry in ClinVar:

NM_001365276.2(TNXB):c.5451_5476del (p.Val1819fs)

Gene: TNXB (tenascin XB; minus strand). Cytogenetic location: 6p21.33.
Variant type: Deletion.
Coding change: c.5451_5476del on transcript NM_001365276.2 (MANE Select); coding-DNA positions 5451 to 5476, 26 bases deleted (CCAGGTGGTGCCCGTGGAGGGCAGCC).
Protein change: p.Val1819fs; shifts the reading frame from valine 1819.
Molecular consequence: frameshift variant.
Genome position (GRCh38, 1-based): chr6:32,069,664-32,069,689, GGCTGCCCTCCACGGGCACCACCTGG deleted on the plus strand (CCAGGTGGTGCCCGTGGAGGGCAGCC on the coding strand, the reverse complement: TNXB is on the minus strand); deleting any 26 consecutive bases within chr6:32,069,664-32,069,697 gives the same sequence; the c. name uses the placement nearest the transcript's 3' end. VCF-style (leftmost placement, unchanged base first): chr6-32069663-AGGCTGCCCTCCACGGGCACCACCTGG-A. GRCh37 (hg19) VCF-style: chr6-32037440-AGGCTGCCCTCCACGGGCACCACCTGG-A.
Other names: c.6192_6217del, p.Val2066fs (NM_001428335.1); c.5451_5476del, p.Val1819fs (NM_019105.8); c.5451_5476del26 (NM_019105.8); short protein forms V1819fs, V2066fs.
Identifiers: ClinVar variation 3382154 (VCV003382154.4).

ClinVar aggregate classification (germline): Pathogenic/Likely pathogenic. Review status: criteria provided, multiple submitters, no conflicts (2 of 4 stars). 3 submissions from 3 submitters: Pathogenic (2); Likely pathogenic (1). Last evaluated 2026-06-01.

Conditions:
Ehlers-Danlos syndrome due to tenascin-X deficiency (EDSCLL1). Also called: EDS DUE TO TNX DEFICIENCY; TNX DEFICIENCY; Ehlers-Danlos syndrome, classic-like, 1; EHLERS-DANLOS SYNDROME, CLASSIC-LIKE; TNXB-Related Classical-Like Ehlers-Danlos Syndrome. Identifiers: Orphanet 230839, MedGen C1848029, MONDO:0011670, OMIM 606408.

Submissions (3):

Women's Health and Genetics/Laboratory Corporation of America, LabCorp
Classification: Pathogenic for Ehlers-Danlos syndrome due to tenascin-X deficiency. Last evaluated: 2026-06-01. Review status: criteria provided, single submitter. Criteria: LabCorp Variant Classification Summary - May 2015. Collection method: clinical testing. Allele origin: germline.
Comment: Variant summary: TNXB c.5451_5476del26 (p.Val1819GlyfsX44) results in a premature termination codon, predicted to cause a truncation of the encoded protein or absence of the protein due to nonsense mediated decay, which are commonly known mechanisms for disease. The variant allele was found at a frequency of 8.1e-06 in 247432 control chromosomes. To our knowledge, no occurrence of c.5451_5476del26 in individuals affected with TNXB-related conditions and no experimental evidence demonstrating its impact on protein function have been reported. ClinVar contains an entry for this variant (Variation ID: 3382154). Based on the evidence outlined above, the variant was classified as pathogenic.

Labcorp Genetics (formerly Invitae), Labcorp
Classification: Pathogenic. Last evaluated: 2025-11-25. Review status: criteria provided, single submitter. Criteria: Invitae Variant Classification Sherloc (09022015). Collection method: clinical testing. Allele origin: germline.
Comment: This sequence change creates a premature translational stop signal (p.Val1819Glyfs*44) in the TNXB gene. It is expected to result in an absent or disrupted protein product. Loss-of-function variants in TNXB are known to be pathogenic (PMID: 9288108, 11642233). This variant is present in population databases (rs777927367, gnomAD 0.0009%). This variant has not been reported in the literature in individuals affected with TNXB-related conditions. ClinVar contains an entry for this variant (Variation ID: 3382154). For these reasons, this variant has been classified as Pathogenic.

Juno Genomics, Hangzhou Juno Genomics, Inc
Classification: Likely pathogenic for Ehlers-Danlos syndrome due to tenascin-X deficiency. Review status: criteria provided, single submitter. Criteria: ACMG Guidelines, 2015. Collection method: clinical testing. Allele origin: germline. Affected: yes.
Comment: Absent from controls (or at extremely low frequency if recessive) in Genome Aggregation Database, Exome Sequencing Project, 1000 Genomes Project, or Exome Aggregation Consortium.;Null variant in a gene where loss of function (LOF) is a known mechanism of disease.

Literature cited by the submitters: PubMed 9288108 (cited by Labcorp Genetics (formerly Invitae), Labcorp); PubMed 11642233 (cited by Labcorp Genetics (formerly Invitae), Labcorp).